The following is an entry in ClinVar:

NM_001130823.3(DNMT1):c.4281C>A (p.Asp1427Glu)

Gene: DNMT1 (DNA methyltransferase 1; minus strand). Cytogenetic location: 19p13.2.
Variant type: single nucleotide variant.
Coding change: c.4281C>A on transcript NM_001130823.3 (MANE Select); coding-DNA position 4281, C replaced by A.
Protein change: p.Asp1427Glu; replaces aspartic acid 1427 with glutamic acid.
Molecular consequence: missense variant.
Genome position (GRCh38, 1-based): chr19:10,137,844, G>T on the plus strand (C>A on the coding strand, the complement: DNMT1 is on the minus strand). VCF-style: chr19-10137844-G-T. GRCh37 (hg19) VCF-style: chr19-10248520-G-T.
Other names: c.4233C>A, p.Asp1411Glu (NM_001318730.2, NM_001379.4); c.3918C>A, p.Asp1306Glu (NM_001318731.2); short protein forms D1306E, D1427E, D1411E.
Identifiers: ClinVar variation 2098554 (VCV002098554.4), dbSNP rs2513771958, ClinGen allele CA403970090.

ClinVar aggregate classification (germline): Uncertain significance (1 of 4 stars; one submission).

Conditions:
Hereditary sensory neuropathy-deafness-dementia syndrome. Also called: HSN IE; Hereditary sensory neuropathy type IE; NEUROPATHY, HEREDITARY SENSORY, WITH HEARING LOSS AND DEMENTIA; Hereditary Sensory and Autonomic Neuropathy Type 1E (HSAN1E). Identifiers: Orphanet 456318, MedGen C3279885, MONDO:0013584, OMIM 614116.

Submission:

Labcorp Genetics (formerly Invitae), Labcorp
Classification: Uncertain significance for Hereditary sensory neuropathy-deafness-dementia syndrome. Last evaluated: 2024-02-12. Review status: criteria provided, single submitter. Criteria: Invitae Variant Classification Sherloc (09022015). Collection method: clinical testing. Allele origin: germline.
Comment: This sequence change replaces aspartic acid, which is acidic and polar, with glutamic acid, which is acidic and polar, at codon 1427 of the DNMT1 protein (p.Asp1427Glu). This variant is not present in population databases (gnomAD no frequency). This variant has not been reported in the literature in individuals affected with DNMT1-related conditions. ClinVar contains an entry for this variant (Variation ID: 2098554). Advanced modeling of protein sequence and biophysical properties (such as structural, functional, and spatial information, amino acid conservation, physicochemical variation, residue mobility, and thermodynamic stability) performed at Invitae indicates that this missense variant is not expected to disrupt DNMT1 protein function with a negative predictive value of 80%. In summary, the available evidence is currently insufficient to determine the role of this variant in disease. Therefore, it has been classified as a Variant of Uncertain Significance.